The following is an entry in ClinVar:

NM_001282225.2(ADA2):c.460C>T (p.Arg154Cys)

Gene: ADA2 (adenosine deaminase 2; minus strand). Cytogenetic location: 22q11.1.
Variant type: single nucleotide variant.
Coding change: c.460C>T on transcript NM_001282225.2 (MANE Select); coding-DNA position 460, C replaced by T.
Protein change: p.Arg154Cys; replaces arginine 154 with cysteine.
Molecular consequence: missense variant.
Genome position (GRCh38, 1-based): chr22:17,207,153, G>A on the plus strand (C>T on the coding strand, the complement: ADA2 is on the minus strand). VCF-style: chr22-17207153-G-A. GRCh37 (hg19) VCF-style: chr22-17688043-G-A.
Other names: c.460C>T, p.Arg154Cys (NM_001282226.2); c.334C>T, p.Arg112Cys (NM_001282227.2, NM_001282228.2); c.100C>T, p.Arg34Cys (NM_001282229.2); short protein forms R34C, R112C, R154C.
Identifiers: ClinVar variation 932575 (VCV000932575.44), dbSNP rs200153182, ClinGen allele CA10088228.
Genomic context (GRCh38, chr22:17,207,153, plus strand): 5'-TCTGCACCCGCTTCCGATAATCCTCCAGCAGAATCCACTTGGAACATTTTTCTGATGGAC[G>A]GGGAGTTGGGTGAGCAAATCTGAACTGCATGATCCCCCTTGGGGTGAAACAGATGTGGCA-3'
Protein context (NP_001269154.1, residues 144-164): MQFRFAHPTP[Arg154Cys]PSEKCSKWIL

ClinVar aggregate classification (germline): Uncertain significance. Review status: criteria provided, multiple submitters, no conflicts (2 of 4 stars). 4 submissions from 4 submitters: Uncertain significance (4). Last evaluated 2024-02-26.

Conditions:
Deficiency of adenosine deaminase 2. Also called: Polyarteritis nodosa, childhoood-onset; VASCULITIS, AUTOINFLAMMATION, IMMUNODEFICIENCY, AND HEMATOLOGIC DEFECTS SYNDROME; Adenosine Deaminase 2 Deficiency. Identifiers: Orphanet 404553, MedGen C3887654, MONDO:0014306, OMIM 615688, MONDO:0100317.
Sneddon syndrome (SNDNS). Also called: Idiopathic livedo reticularis with systemic involvement; LIVEDO RETICULARIS AND CEREBROVASCULAR ACCIDENTS. Identifiers: Orphanet 820, MedGen C0282492, MONDO:0008436, OMIM 182410.
Autoinflammatory syndrome. Identifiers: Orphanet 93665, MedGen C3890737, MONDO:0019751.

Allele frequency attached by ClinVar (database versions not stated): gnomAD 0.00002 and 0.00003; TOPMed 0.00002; ExAC 0.00007; 1000 Genomes Project 30x 0.00016; 1000 Genomes Project 0.00020.

Submissions (4):

Fulgent Genetics
Classification: Uncertain significance for Sneddon syndrome; Deficiency of adenosine deaminase 2. Last evaluated: 2024-02-26. Review status: criteria provided, single submitter. Criteria: ACMG Guidelines, 2015. Collection method: clinical testing. Allele origin: germline.

Labcorp Genetics (formerly Invitae), Labcorp
Classification: Uncertain significance for Deficiency of adenosine deaminase 2. Last evaluated: 2022-06-15. Review status: criteria provided, single submitter. Criteria: Invitae Variant Classification Sherloc (09022015). Collection method: clinical testing. Allele origin: germline.
Comment: In summary, the available evidence is currently insufficient to determine the role of this variant in disease. Therefore, it has been classified as a Variant of Uncertain Significance. Algorithms developed to predict the effect of missense changes on protein structure and function are either unavailable or do not agree on the potential impact of this missense change (SIFT: "Deleterious"; PolyPhen-2: "Benign"; Align-GVGD: "Class C25"). ClinVar contains an entry for this variant (Variation ID: 932575). This variant has not been reported in the literature in individuals affected with ADA2-related conditions. This variant is present in population databases (rs200153182, gnomAD 0.05%). This sequence change replaces arginine, which is basic and polar, with cysteine, which is neutral and slightly polar, at codon 154 of the ADA2 protein (p.Arg154Cys).

Genome Diagnostics Laboratory, The Hospital for Sick Children
Classification: Uncertain significance for Autoinflammatory syndrome. Last evaluated: 2021-03-15. Review status: criteria provided, single submitter. Criteria: ACMG Guidelines, 2015. Collection method: clinical testing. Allele origin: germline. Affected: yes.

CeGaT Center for Human Genetics Tuebingen
Classification: Uncertain significance. Last evaluated: 2020-04-01. Review status: criteria provided, single submitter. Criteria: CeGaT Center For Human Genetics Tuebingen Variant Classification Criteria Version 2. Collection method: clinical testing. Allele origin: germline. Affected: yes. Observed: 1 variant allele.